The following is an entry in ClinVar:

NM_017491.5(WDR1):c.1078G>T (p.Ala360Ser)

Gene: WDR1 (WD repeat domain 1; minus strand). Cytogenetic location: 4p16.1.
Variant type: single nucleotide variant.
Coding change: c.1078G>T on transcript NM_017491.5 (MANE Select); coding-DNA position 1078, G replaced by T.
Protein change: p.Ala360Ser; replaces alanine 360 with serine.
Molecular consequence: missense variant.
Genome position (GRCh38, 1-based): chr4:10,083,140, C>A on the plus strand (G>T on the coding strand, the complement: WDR1 is on the minus strand). VCF-style: chr4-10083140-C-A. GRCh37 (hg19) VCF-style: chr4-10084764-C-A.
Other names: c.658G>T, p.Ala220Ser (NM_005112.5); c.1078G>T (NM_017491.3); short protein forms A220S, A360S.
Identifiers: ClinVar variation 1434854 (VCV001434854.6), dbSNP rs772279711, ClinGen allele CA356359752.

ClinVar aggregate classification (germline): Uncertain significance. Review status: criteria provided, multiple submitters, no conflicts (2 of 4 stars). 2 submissions from 2 submitters: Uncertain significance (2). Last evaluated 2024-07-02.

Conditions:
Inborn genetic diseases. Identifiers: MedGen C0950123, MeSH D030342.

gnomAD v4.1: 1 of 1,613,848 alleles (0.000062%); highest among the groups gnomAD compares: Non-Finnish European, 0.000085%; no homozygotes.

Submissions (2):

Ambry Genetics
Classification: Uncertain significance for Inborn genetic diseases. Last evaluated: 2024-07-02. Review status: criteria provided, single submitter. Criteria: Ambry Variant Classification Scheme 2023. Collection method: clinical testing. Allele origin: germline.

Labcorp Genetics (formerly Invitae), Labcorp
Classification: Uncertain significance. Last evaluated: 2022-09-19. Review status: criteria provided, single submitter. Criteria: Invitae Variant Classification Sherloc (09022015). Collection method: clinical testing. Allele origin: germline.
Comment: This sequence change replaces alanine, which is neutral and non-polar, with serine, which is neutral and polar, at codon 360 of the WDR1 protein (p.Ala360Ser). This variant is not present in population databases (gnomAD no frequency). This variant has not been reported in the literature in individuals affected with WDR1-related conditions. ClinVar contains an entry for this variant (Variation ID: 1434854). Algorithms developed to predict the effect of missense changes on protein structure and function output the following: SIFT: "Tolerated"; PolyPhen-2: "Benign"; Align-GVGD: "Class C0". The serine amino acid residue is found in multiple mammalian species, which suggests that this missense change does not adversely affect protein function. In summary, the available evidence is currently insufficient to determine the role of this variant in disease. Therefore, it has been classified as a Variant of Uncertain Significance.